The following is an entry in ClinVar:

ClinVar aggregate classification (germline): Uncertain significance. Review status: criteria provided, multiple submitters, no conflicts (2 of 4 stars). 3 submissions from 3 submitters: Uncertain significance (3). Last evaluated 2024-12-02.

Conditions:
Hereditary cancer-predisposing syndrome. Also called: Tumor predisposition; Hereditary Cancer Syndrome; Neoplastic Syndromes, Hereditary; Hereditary neoplastic syndrome. Identifiers: Orphanet 140162, MedGen C0027672, MeSH D009386, MONDO:0015356.
Juvenile polyposis syndrome (JPS). Identifiers: Orphanet 2929, MedGen C0345893, MONDO:0017380, OMIM 174900.

Allele frequency attached by ClinVar (database versions not stated): gnomAD exomes below 0.00001.
gnomAD v4.1: 1 of 1,613,350 alleles (0.000062%); highest among the groups gnomAD compares: Non-Finnish European, 0.000085%; no homozygotes.

Submissions (3):

Ambry Genetics
Classification: Uncertain significance for Hereditary cancer-predisposing syndrome. Last evaluated: 2024-12-02. Review status: criteria provided, single submitter. Criteria: Ambry Variant Classification Scheme 2023. Collection method: clinical testing. Allele origin: germline.
Comment: The p.G32D variant (also known as c.95G>A), located in coding exon 2 of the BMPR1A gene, results from a G to A substitution at nucleotide position 95. The glycine at codon 32 is replaced by aspartic acid, an amino acid with similar properties. This amino acid position is conserved. In addition, the in silico prediction for this alteration is inconclusive. Based on the available evidence, the clinical significance of this variant remains unclear.

Labcorp Genetics (formerly Invitae), Labcorp
Classification: Uncertain significance for Juvenile polyposis syndrome. Last evaluated: 2024-01-01. Review status: criteria provided, single submitter. Criteria: Invitae Variant Classification Sherloc (09022015). Collection method: clinical testing. Allele origin: germline.
Comment: This sequence change replaces glycine, which is neutral and non-polar, with aspartic acid, which is acidic and polar, at codon 32 of the BMPR1A protein (p.Gly32Asp). This variant is not present in population databases (gnomAD no frequency). This variant has not been reported in the literature in individuals affected with BMPR1A-related conditions. ClinVar contains an entry for this variant (Variation ID: 1016885). Advanced modeling of protein sequence and biophysical properties (such as structural, functional, and spatial information, amino acid conservation, physicochemical variation, residue mobility, and thermodynamic stability) performed at Invitae indicates that this missense variant is not expected to disrupt BMPR1A protein function with a negative predictive value of 95%. In summary, the available evidence is currently insufficient to determine the role of this variant in disease. Therefore, it has been classified as a Variant of Uncertain Significance.

All of Us Research Program, National Institutes of Health
Classification: Uncertain significance for Juvenile polyposis syndrome. Last evaluated: 2022-11-28. Review status: criteria provided, single submitter. Criteria: ACMG Guidelines, 2015. Collection method: clinical testing. Allele origin: germline. Inheritance: Autosomal dominant inheritance. Observed: 1 variant allele, 1 heterozygote.
Comment: This study involves interpretation of variants in research participants for the purpose of population health screening. Participant phenotype was not available at the time of variant classification. Additional details can be found in publication PMID: 35346344, PMCID: PMC8962531

NM_004329.3(BMPR1A):c.95G>A (p.Gly32Asp)

Gene: BMPR1A (bone morphogenetic protein receptor type 1A; plus strand). Cytogenetic location: 10q23.2.
Variant type: single nucleotide variant.
Coding change: c.95G>A on transcript NM_004329.3 (MANE Select); coding-DNA position 95, G replaced by A.
Protein change: p.Gly32Asp; replaces glycine 32 with aspartic acid.
Molecular consequence: missense variant.
Genome position (GRCh38, 1-based): chr10:86,890,089, G>A. VCF-style: chr10-86890089-G-A. GRCh37 (hg19) VCF-style: chr10-88649846-G-A.
Other names: c.95G>A (NM_004329.2); short protein forms G32D.
Identifiers: ClinVar variation 1016885 (VCV001016885.11), dbSNP rs1843125149, ClinGen allele CA377446339.